The following is an entry in ClinVar:

NM_004974.4(KCNA2):c.785C>T (p.Ala262Val)

Gene: KCNA2 (potassium voltage-gated channel subfamily A member 2; minus strand). Cytogenetic location: 1p13.3.
Variant type: single nucleotide variant.
Coding change: c.785C>T on transcript NM_004974.4 (MANE Select); coding-DNA position 785, C replaced by T.
Protein change: p.Ala262Val; replaces alanine 262 with valine.
Molecular consequence: missense variant.
Genome position (GRCh38, 1-based): chr1:110,603,998, G>A on the plus strand (C>T on the coding strand, the complement: KCNA2 is on the minus strand). VCF-style: chr1-110603998-G-A. GRCh37 (hg19) VCF-style: chr1-111146620-G-A.
Other names: c.785C>T, p.Ala262Val (NM_001204269.2); short protein forms A262V.
Identifiers: ClinVar variation 1803043 (VCV001803043.2), dbSNP rs2524618796, ClinGen allele CA341603198.

ClinVar aggregate classification (germline): Pathogenic/Likely pathogenic. Review status: criteria provided, multiple submitters, no conflicts (2 of 4 stars). 2 submissions from 2 submitters: Pathogenic (1); Likely pathogenic (1). Last evaluated 2025-04-22.

Conditions:
Developmental and epileptic encephalopathy, 32 (DEE32). Also called: Epileptic encephalopathy, early infantile, 32. Identifiers: Orphanet 442835, MedGen C4225350, MONDO:0014607, OMIM 616366.

Submissions (2):

GeneDx
Classification: Pathogenic. Last evaluated: 2025-04-22. Review status: criteria provided, single submitter. Criteria: GeneDx Variant Classification Process June 2021. Collection method: clinical testing. Allele origin: germline. Affected: yes.
Comment: Not observed at significant frequency in large population cohorts (gnomAD); In silico analysis supports that this missense variant has a deleterious effect on protein structure/function; This variant is associated with the following publications: (PMID: 36619507, 38951973)

Diagnostic Genetics, Severance Hospital, Yonsei University College of Medicine
Classification: Likely pathogenic for Developmental and epileptic encephalopathy, 32. Last evaluated: 2022-02-03. Review status: criteria provided, single submitter. Criteria: ACMG Guidelines, 2015. Collection method: clinical testing. Allele origin: de novo. Affected: yes.